The following is an entry in ClinVar:

ClinVar aggregate classification (germline): Likely pathogenic (1 of 4 stars; one submission).

Submission:

GeneDx
Classification: Likely pathogenic. Last evaluated: 2025-08-14. Review status: criteria provided, single submitter. Criteria: GeneDx Variant Classification Process June 2021. Collection method: clinical testing. Allele origin: germline. Affected: yes.
Comment: Nonsense variant predicted to result in protein truncation or nonsense mediated decay in a gene for which loss of function is a known mechanism of disease; Not observed at significant frequency in large population cohorts (gnomAD); Has not been previously published as pathogenic or benign to our knowledge

NM_006618.5(KDM5B):c.1103delinsAAA (p.Phe368Ter)

Gene: KDM5B (lysine demethylase 5B; minus strand). Cytogenetic location: 1q32.1.
Variant type: Indel.
Coding change: c.1103delinsAAA on transcript NM_006618.5 (MANE Select); coding-DNA position 1103, T replaced by AAA.
Protein change: p.Phe368Ter; replaces phenylalanine 368 with a stop codon.
Molecular consequence: nonsense.
Genome position (GRCh38, 1-based): chr1:202,758,485, A replaced by TTT on the plus strand (T replaced by AAA on the coding strand, the reverse complement: KDM5B is on the minus strand). VCF-style: chr1-202758485-A-TTT. GRCh37 (hg19) VCF-style: chr1-202727613-A-TTT.
Other names: c.1211delinsAAA, p.Phe404Ter (NM_001314042.2); c.968delinsAAA, p.Phe323Ter (NM_001347591.2); c.1088delinsAAA, p.Phe363Ter (NM_001399817.1); short protein forms F323*, F363*, F368*, F404*.
Identifiers: ClinVar variation 4795434 (VCV004795434.1).
Genomic context (GRCh38, chr1:202,758,485, plus strand): 5'-GCATCTGCCATTTCCCCAAAAGTACGGAGGGTATAGTCCCTGGCTGCTTGTTCAAAGCCA[A>TTT]ATGCTTCTTGTGGCTTACTACATTCCTGAAAATAAAGAAAATTACGTTCTAGGTGACACT-3'